The following is an entry in ClinVar:

NM_020347.4(LZTFL1):c.289A>G (p.Lys97Glu)

Gene: LZTFL1 (leucine zipper transcription factor like 1; minus strand). Cytogenetic location: 3p21.31.
Variant type: single nucleotide variant.
Coding change: c.289A>G on transcript NM_020347.4 (MANE Select); coding-DNA position 289, A replaced by G.
Protein change: p.Lys97Glu; replaces lysine 97 with glutamic acid.
Molecular consequence: missense variant. On other transcripts: non-coding transcript variant (2).
Genome position (GRCh38, 1-based): chr3:45,835,624, T>C on the plus strand (A>G on the coding strand, the complement: LZTFL1 is on the minus strand). VCF-style: chr3-45835624-T-C. GRCh37 (hg19) VCF-style: chr3-45877116-T-C.
Other names: c.238A>G, p.Lys80Glu (NM_001276378.2, NM_001386451.1, NM_001405922.1 and 4 more transcripts); c.277A>G, p.Lys93Glu (NM_001276379.2, NM_001405921.1); c.289A>G, p.Lys97Glu (NM_001386452.1, NM_001405924.1); c.313A>G, p.Lys105Glu (NM_001405920.1, NM_001405925.1); c.289A>G (NM_020347.2); short protein forms K105E, K80E, K93E, K97E.
Identifiers: ClinVar variation 3352941 (VCV003352941.3).

ClinVar aggregate classification (germline): Uncertain significance. Review status: criteria provided, multiple submitters, no conflicts (2 of 4 stars). 3 submissions from 3 submitters: Uncertain significance (2). 1 of the submissions does not count toward it. Last evaluated 2025-10-01.

Conditions:
LZTFL1-related disorder. Also called: LZTFL1-related condition.
Bardet-Biedl syndrome 17 (BBS17). Identifiers: Orphanet 110, MedGen C3714980, MONDO:0014445, OMIM 615994.
Inborn genetic diseases. Identifiers: MedGen C0950123, MeSH D030342.

gnomAD v4.1: 7 of 1,614,040 alleles (0.00043%); highest among the groups gnomAD compares: African/African-American, 0.0093%; no homozygotes.

Submissions (3):

Ambry Genetics
Classification: Uncertain significance for Inborn genetic diseases. Last evaluated: 2025-10-01. Review status: criteria provided, single submitter. Criteria: Ambry Variant Classification Scheme 2023. Collection method: clinical testing. Allele origin: germline.

Fulgent Genetics
Classification: Uncertain significance for Bardet-Biedl syndrome 17. Last evaluated: 2024-03-21. Review status: criteria provided, single submitter. Criteria: ACMG Guidelines, 2015. Collection method: clinical testing. Allele origin: germline.

PreventionGenetics, part of Exact Sciences
Classification: Uncertain significance for LZTFL1-related condition. Last evaluated: 2024-08-19. Review status: no assertion criteria provided. Collection method: clinical testing. Allele origin: germline. Not counted in ClinVar's aggregate classification.
Comment: The LZTFL1 c.289A>G variant is predicted to result in the amino acid substitution p.Lys97Glu. To our knowledge, this variant has not been reported in the literature. This variant is reported in 0.020% of alleles in individuals of African descent in gnomAD. At this time, the clinical significance of this variant is uncertain due to the absence of conclusive functional and genetic evidence.